The following is an entry in ClinVar:

ClinVar aggregate classification (germline): Benign/Likely benign. Review status: criteria provided, multiple submitters, no conflicts (2 of 4 stars). 6 submissions from 6 submitters: Benign (2); Likely benign (2). 2 of the submissions do not count toward it. Last evaluated 2026-06-01.

Conditions:
Chromosome 2q37 deletion syndrome (BDMR). Also called: Chromosome 2, monosomy 2q37; Monosomy 2q37; Deletion 2q37; 2q37 microdeletion syndrome; ALBRIGHT HEREDITARY OSTEODYSTROPHY-LIKE SYNDROME. Identifiers: Orphanet 1001, MedGen C2931817, MONDO:0010886, OMIM 600430.

Allele frequency attached by ClinVar (database versions not stated): ESP Exome Variant Server 0.00200; gnomAD exomes 0.00213 and 0.00368; gnomAD 0.00231 and 0.00232; 1000 Genomes Project 30x 0.00234; 1000 Genomes Project 0.00240; TOPMed 0.00274; ExAC 0.00324.
gnomAD v4.1: 5,663 of 1,600,426 alleles (0.35%); highest among the groups gnomAD compares: Non-Finnish European, 0.43%; 21 homozygotes.

Submissions (6):

CeGaT Center for Human Genetics Tuebingen
Classification: Likely benign. Last evaluated: 2026-06-01. Review status: criteria provided, single submitter. Criteria: CeGaT Center For Human Genetics Tuebingen Variant Classification Criteria Version 2. Collection method: clinical testing. Allele origin: germline. Affected: yes. Observed: 7 variant alleles.
Comment: HDAC4: BP4, BP7, BS2

Labcorp Genetics (formerly Invitae), Labcorp
Classification: Benign. Last evaluated: 2026-01-15. Review status: criteria provided, single submitter. Criteria: Invitae Variant Classification Sherloc (09022015). Collection method: clinical testing. Allele origin: germline.

Blueprint Genetics
Classification: Likely benign. Last evaluated: 2024-11-19. Review status: criteria provided, single submitter. Criteria: ACMG Guidelines, 2015. Collection method: clinical testing. Allele origin: germline.

Eurofins Ntd Llc (ga)
Classification: Benign. Last evaluated: 2015-06-18. Review status: criteria provided, single submitter. Criteria: EGL Classification Definitions 2015. Collection method: clinical testing. Allele origin: germline. Observed: 1 variant allele, 1 heterozygote.

Clinical Genetics DNA and cytogenetics Diagnostics Lab, Erasmus MC, Erasmus Medical Center
Classification: Likely benign. Review status: no assertion criteria provided. Collection method: clinical testing. Allele origin: germline. Affected: yes. Study: VKGL Data-share Consensus. Not counted in ClinVar's aggregate classification.

Diagnostic Laboratory, Department of Genetics, University Medical Center Groningen
Classification: Likely benign for Chromosome 2q37 deletion syndrome. Review status: no assertion criteria provided. Collection method: clinical testing. Allele origin: germline. Affected: yes. Study: VKGL Data-share Consensus. Not counted in ClinVar's aggregate classification.

NM_001378414.1(HDAC4):c.1809G>A (p.Glu603=)

Gene: HDAC4 (histone deacetylase 4; minus strand). Cytogenetic location: 2q37.3.
Variant type: single nucleotide variant.
Coding change: c.1809G>A on transcript NM_001378414.1 (MANE Select); coding-DNA position 1809, G replaced by A.
Protein change: p.Glu603=; no amino-acid change (glutamic acid 603 retained).
Molecular consequence: synonymous variant.
Genome position (GRCh38, 1-based): chr2:239,111,695, C>T on the plus strand (G>A on the coding strand, the complement: HDAC4 is on the minus strand). VCF-style: chr2-239111695-C-T. GRCh37 (hg19) VCF-style: chr2-240033391-C-T.
Other names: c.1809G>A, p.Glu603= (NM_001378415.1); c.1794G>A, p.Glu598= (NM_001378416.1, NM_001378417.1, NM_006037.4).
Identifiers: ClinVar variation 281400 (VCV000281400.40), dbSNP rs148813865, ClinGen allele CA2199663.